The following is an entry in ClinVar:

ClinVar aggregate classification (germline): Likely pathogenic. Review status: criteria provided, single submitter (1 of 4 stars). 2 submissions from 2 submitters: Likely pathogenic (1). 1 of the submissions does not count toward it. Last evaluated 2018-10-15.

Conditions:
Glycosylphosphatidylinositol biosynthesis defect 15. Also called: DEVELOPMENTAL DELAY, EPILEPSY, CEREBELLAR ATROPHY, AND OSTEOPENIA. Identifiers: Orphanet 529665, MedGen C4540520, MONDO:0060627, OMIM 617810.

Allele frequency attached by ClinVar (database versions not stated): gnomAD exomes 0.00001 and 0.00002; ExAC 0.00002.

Submissions (2):

SIB Swiss Institute of Bioinformatics
Classification: Likely pathogenic for Glycosylphosphatidylinositol biosynthesis defect 15. Last evaluated: 2018-10-15. Review status: criteria provided, single submitter. Criteria: ACMG Guidelines, 2015. Collection method: curation. Allele origin: germline.
Comment: This variant is interpreted as Likely Pathogenic, for Glycosylphosphatidylinositol biosynthesis defect 15, autosomal recessive. The following ACMG Tag(s) were applied: PM2 => Absent from controls (or at extremely low frequency if recessive) in Exome Sequencing Project, 1000 Genomes Project, or Exome Aggregation Consortium. PP3 => Multiple lines of computational evidence support a deleterious effect on the gene or gene product. PS3 => Well-established functional studies show a deleterious effect (PubMed 29100095). PP1 => Cosegregation with disease in multiple affected family members in a gene definitively known to cause the disease (PubMed 29100095).

OMIM
Classification: Pathogenic for GLYCOSYLPHOSPHATIDYLINOSITOL BIOSYNTHESIS DEFECT 15. Last evaluated: 2017-12-18. Review status: no assertion criteria provided. Collection method: literature only. Allele origin: germline. Not counted in ClinVar's aggregate classification.

Literature cited by the submitters: PubMed 29100095 (cited by SIB Swiss Institute of Bioinformatics and OMIM).

NM_003801.4(GPAA1):c.527G>C (p.Trp176Ser)

Gene: GPAA1 (glycosylphosphatidylinositol anchor attachment 1; plus strand). Cytogenetic location: 8q24.3.
Variant type: single nucleotide variant.
Coding change: c.527G>C on transcript NM_003801.4 (MANE Select); coding-DNA position 527, G replaced by C.
Protein change: p.Trp176Ser; replaces tryptophan 176 with serine.
Molecular consequence: missense variant.
Genome position (GRCh38, 1-based): chr8:144,083,951, G>C. VCF-style: chr8-144083951-G-C. GRCh37 (hg19) VCF-style: chr8-145138854-G-C.
Other names: short protein forms W176S.
Identifiers: ClinVar variation 453251 (VCV000453251.2), dbSNP rs782220208, ClinGen allele CA4932853.